The following is an entry in ClinVar:

ClinVar aggregate classification (germline): Pathogenic (1 of 4 stars; one submission).

Conditions:
Cystinuria (CSNU). Also called: Cystinuria, non-type I; CYSTINURIA, TYPE I; CYSTINURIA, TYPE II; CYSTINURIA, TYPE III. Identifiers: Orphanet 214, MedGen C0010691, MONDO:0009067, OMIM 220100, HP:0003131.

Allele frequency attached by ClinVar (database versions not stated): gnomAD exomes below 0.00001; ExAC 0.00001; gnomAD 0.00001; 1000 Genomes Project 30x 0.00016; 1000 Genomes Project 0.00020.

Submission:

Labcorp Genetics (formerly Invitae), Labcorp
Classification: Pathogenic for Cystinuria. Last evaluated: 2021-10-18. Review status: criteria provided, single submitter. Criteria: Invitae Variant Classification Sherloc (09022015). Collection method: clinical testing. Allele origin: germline.
Comment: The frequency data for this variant in the population databases is considered unreliable, as metrics indicate poor data quality at this position in the ExAC database. This variant has not been reported in the literature in individuals affected with SLC3A1-related conditions. For these reasons, this variant has been classified as Pathogenic. This sequence change creates a premature translational stop signal (p.Gln224*) in the SLC3A1 gene. It is expected to result in an absent or disrupted protein product. Loss-of-function variants in SLC3A1 are known to be pathogenic (PMID: 24610330, 25109415, 25964309).

Literature cited by the submitters: PubMed 24610330; PubMed 25109415; PubMed 25964309.

NM_000341.4(SLC3A1):c.670C>T (p.Gln224Ter)

Gene: SLC3A1 (solute carrier family 3 member 1; plus strand). Cytogenetic location: 2p21.
Variant type: single nucleotide variant.
Coding change: c.670C>T on transcript NM_000341.4 (MANE Select); coding-DNA position 670, C replaced by T.
Protein change: p.Gln224Ter; replaces glutamine 224 with a stop codon.
Molecular consequence: nonsense.
Genome position (GRCh38, 1-based): chr2:44,281,446, C>T. VCF-style: chr2-44281446-C-T. GRCh37 (hg19) VCF-style: chr2-44508585-C-T.
Other names: short protein forms Q224*.
Identifiers: ClinVar variation 1457305 (VCV001457305.6), dbSNP rs542026439, ClinGen allele CA1640208.
Genomic context (GRCh38, chr2:44,281,446, plus strand): 5'-GGTTTAAAATTAATCATCGATTTCATACCAAACCACACGAGTGATAAACATATTTGGTTT[C>T]AATTGAGTCGGACACGGACAGGAAAATATACTGATTATTATATCTGGCATGACTGTACCC-3'